The following is an entry in ClinVar:

NM_003809.3(TNFSF12):c.434G>A (p.Arg145His)

Genes: TNFSF12 (TNF superfamily member 12; plus strand), TNFSF12-TNFSF13 (TNFSF12-TNFSF13 readthrough; plus strand). Cytogenetic location: 17p13.1.
Variant type: single nucleotide variant.
Coding change: c.434G>A on transcript NM_003809.3 (MANE Select); coding-DNA position 434, G replaced by A.
Protein change: p.Arg145His; replaces arginine 145 with histidine.
Molecular consequence: missense variant. On other transcripts: non-coding transcript variant (1).
Genome position (GRCh38, 1-based): chr17:7,556,838, G>A. VCF-style: chr17-7556838-G-A. GRCh37 (hg19) VCF-style: chr17-7460155-G-A.
Other names: c.434G>A, p.Arg145His (NM_172089.4); short protein forms R145H.
Identifiers: ClinVar variation 1393751 (VCV001393751.9), dbSNP rs1295184449, ClinGen allele CA397861036.

ClinVar aggregate classification (germline): Uncertain significance (1 of 4 stars; one submission).

Conditions:
Common variable immunodeficiency (CVID). Also called: Common variable hypogamma-globulinemia; Common variable agammaglobulinemia. Identifiers: Orphanet 1572, MedGen C0009447, MONDO:0015517.

Allele frequency attached by ClinVar (database versions not stated): TOPMed below 0.00001; gnomAD exomes 0.00001.
gnomAD v4.1: 12 of 1,562,876 alleles (0.00077%); highest among the groups gnomAD compares: East Asian, 0.0023%; no homozygotes.

Submission:

Labcorp Genetics (formerly Invitae), Labcorp
Classification: Uncertain significance for Common variable immunodeficiency. Last evaluated: 2023-06-09. Review status: criteria provided, single submitter. Criteria: Invitae Variant Classification Sherloc (09022015). Collection method: clinical testing. Allele origin: germline.
Comment: In summary, the available evidence is currently insufficient to determine the role of this variant in disease. Therefore, it has been classified as a Variant of Uncertain Significance. An algorithm developed to predict the effect of missense changes on protein structure and function (PolyPhen-2) suggests that this variant is likely to be disruptive. ClinVar contains an entry for this variant (Variation ID: 1393751). This variant has not been reported in the literature in individuals affected with TNFSF12-related conditions. This variant is not present in population databases (gnomAD no frequency). This sequence change replaces arginine, which is basic and polar, with histidine, which is basic and polar, at codon 145 of the TNFSF12 protein (p.Arg145His).